The following is an entry in ClinVar:

NM_014049.5(ACAD9):c.-44_-41dup

Gene: ACAD9 (acyl-CoA dehydrogenase family member 9; plus strand). Cytogenetic location: 3q21.3.
Variant type: Duplication.
Coding change: c.-44_-41dup on transcript NM_014049.5 (MANE Select); 44 bases upstream of the start codon through 41 bases upstream of the start codon, 4 bases duplicated (TAAG; older notation c.-44_-41dupTAAG).
Molecular consequence: 5 prime UTR variant. On other transcripts: non-coding transcript variant (1).
Genome position (GRCh38, 1-based): chr3:128,879,648-128,879,651, TAAG duplicated. VCF-style (leftmost placement, unchanged base first): chr3-128879647-C-CTAAG. GRCh37 (hg19) VCF-style: chr3-128598490-C-CTAAG.
Other names: c.-44_-41dupTAAG (NM_014049.5).
Identifiers: ClinVar variation 1018 (VCV000001018.25), dbSNP rs387906242, ClinGen allele CA114709.

ClinVar aggregate classification (germline): Conflicting classifications of pathogenicity. Review status: criteria provided, conflicting classifications (1 of 4 stars). 9 submissions from 9 submitters: Uncertain significance (1); Benign (3); Likely benign (1). 4 of the submissions do not count toward it. Last evaluated 2025-06-03.

Conditions:
Acyl-CoA dehydrogenase 9 deficiency. Also called: MITOCHONDRIAL COMPLEX I DEFICIENCY, NUCLEAR TYPE 20; Acyl-CoA dehydrogenase family, member 9, deficiency of. Identifiers: Orphanet 99901, MedGen C4747517, MONDO:0012624, OMIM 611126.

Allele frequency attached by ClinVar (database versions not stated): gnomAD exomes 0.02063 and 0.03741; ExAC 0.04155; ESP Exome Variant Server 0.04487; gnomAD 0.04863 and 0.05023; TOPMed 0.05041; 1000 Genomes Project 0.07748; 1000 Genomes Project 30x 0.07870.

Submissions (9):

Labcorp Genetics (formerly Invitae), Labcorp
Classification: Benign. Last evaluated: 2025-06-03. Review status: criteria provided, single submitter. Criteria: Invitae Variant Classification Sherloc (09022015). Collection method: clinical testing. Allele origin: germline.

Department of Pathology and Laboratory Medicine, Sinai Health System
Classification: Benign for Acyl-CoA dehydrogenase 9 deficiency. Last evaluated: 2023-04-03. Review status: criteria provided, single submitter. Criteria: ACMG Guidelines, 2015. Collection method: research. Allele origin: germline.

Genome-Nilou Lab
Classification: Likely benign for Acyl-CoA dehydrogenase 9 deficiency. Last evaluated: 2021-05-18. Review status: criteria provided, single submitter. Criteria: ACMG Guidelines, 2015. Collection method: clinical testing. Allele origin: germline. Affected: no.

Women's Health and Genetics/Laboratory Corporation of America, LabCorp
Classification: Uncertain significance. Last evaluated: 2020-09-23. Review status: criteria provided, single submitter. Criteria: LabCorp Variant Classification Summary - May 2015. Collection method: clinical testing. Allele origin: germline.
Comment: Variant summary: ACAD9 c.-44_-41dupTAAG is located in the untranslated mRNA region upstream of the initiation codon. The variant allele was found at a frequency of 0.039 in 280626 control chromosomes in the gnomAD database, including 475 homozygotes. The observed variant frequency is approximately 35 fold of the estimated maximal expected allele frequency for a pathogenic variant in ACAD9 causing Mitochondrial Complex I Deficiency, Nuclear Type 20 phenotype (0.0011), strongly suggesting that the variant is benign. c.-44_-41dupTAAG has been reported in the literature in one individual affected with Acyl-Coenzyme dehydrogenase 9 deficiency (He_2007). The report does not provide unequivocal conclusions about association of the variant with Mitochondrial Complex I Deficiency, Nuclear Type 20. He_2007 reports this variant results in a transcriptional defect from patients liver sample and 75% reduction of expression of a reporter gene. One ClinVar submitter (evaluation after 2014) cites the variant as likely benign. Although the allele frequency of this variant suggests it may be benign, the possibility of it being a common low-penetrant pathogenic variant cannot be ruled out. Therefore, this variant was classified as VUS-possibly benign.

GeneDx
Classification: Benign. Last evaluated: 2018-10-05. Review status: criteria provided, single submitter. Criteria: GeneDx Variant Classification Process June 2021. Collection method: clinical testing. Allele origin: germline. Affected: yes.

Natera, Inc.
Classification: Benign for ACAD9 deficiency. Last evaluated: 2020-09-16. Review status: no assertion criteria provided. Collection method: clinical testing. Allele origin: germline. Not counted in ClinVar's aggregate classification.

Diagnostic Laboratory, Department of Genetics, University Medical Center Groningen
Classification: Benign. Review status: no assertion criteria provided. Collection method: clinical testing. Allele origin: germline. Affected: yes. Study: VKGL Data-share Consensus. Not counted in ClinVar's aggregate classification.

Genome Diagnostics Laboratory, University Medical Center Utrecht
Classification: Likely benign. Review status: no assertion criteria provided. Collection method: clinical testing. Allele origin: germline. Affected: yes. Study: VKGL Data-share Consensus. Not counted in ClinVar's aggregate classification.

OMIM
Classification: Pathogenic for MITOCHONDRIAL COMPLEX I DEFICIENCY, NUCLEAR TYPE 20. Last evaluated: 2007-07-01. Review status: flagged submission. Collection method: literature only. Allele origin: germline. Not counted in ClinVar's aggregate classification.
ClinVar note: Reason: Older and outlier claim with insufficient supporting evidence

Literature cited by the submitters: PubMed 27884173 (cited by Women's Health and Genetics/Laboratory Corporation of America, LabCorp); PubMed 30311383 (cited by Women's Health and Genetics/Laboratory Corporation of America, LabCorp); PubMed 17564966 (cited by Women's Health and Genetics/Laboratory Corporation of America, LabCorp and OMIM).